The following is an entry in ClinVar:

ClinVar aggregate classification (germline): Likely benign. Review status: criteria provided, multiple submitters, no conflicts (2 of 4 stars). 5 submissions from 5 submitters: Likely benign (4). 1 of the submissions does not count toward it. Last evaluated 2026-09-01.

Conditions:
CHD5-related disorder. Also called: CHD5-related condition.

Allele frequency attached by ClinVar (database versions not stated): gnomAD 0.00024 and 0.00027; 1000 Genomes Project 30x 0.00031; gnomAD exomes 0.00036 and 0.00057; 1000 Genomes Project 0.00040; TOPMed 0.00040; ESP Exome Variant Server 0.00046; ExAC 0.00051.
gnomAD v4.1: 603 of 1,595,216 alleles (0.038%); highest among the groups gnomAD compares: Middle Eastern, 0.3%; no homozygotes.

Submissions (5):

CeGaT Center for Human Genetics Tuebingen
Classification: Likely benign. Last evaluated: 2026-09-01. Review status: criteria provided, single submitter. Criteria: CeGaT Center For Human Genetics Tuebingen Variant Classification Criteria Version 2. Collection method: clinical testing. Allele origin: germline. Affected: yes. Observed: 2 variant alleles.
Comment: CHD5: BP4, BP7, BS1

Blueprint Genetics
Classification: Likely benign. Last evaluated: 2024-11-13. Review status: criteria provided, single submitter. Criteria: ACMG Guidelines, 2015. Collection method: clinical testing. Allele origin: germline.

Labcorp Genetics (formerly Invitae), Labcorp
Classification: Likely benign. Last evaluated: 2018-05-30. Review status: criteria provided, single submitter. Criteria: Invitae Variant Classification Sherloc (09022015). Collection method: clinical testing. Allele origin: germline.

Breakthrough Genomics
Classification: Likely benign. Review status: criteria provided, single submitter. Criteria: ACMG Guidelines, 2015. Collection method: not provided. Allele origin: germline. Inheritance: Autosomal dominant inheritance. Affected: yes.

PreventionGenetics, part of Exact Sciences
Classification: Benign for CHD5-related condition. Last evaluated: 2024-09-26. Review status: no assertion criteria provided. Collection method: clinical testing. Allele origin: germline. Not counted in ClinVar's aggregate classification.
Comment: This variant is classified as benign based on ACMG/AMP sequence variant interpretation guidelines (Richards et al. 2015 PMID: 25741868, with internal and published modifications).

NM_015557.3(CHD5):c.5589G>A (p.Gln1863=)

Gene: CHD5 (chromodomain helicase DNA binding protein 5; minus strand). Cytogenetic location: 1p36.31.
Variant type: single nucleotide variant.
Coding change: c.5589G>A on transcript NM_015557.3 (MANE Select); coding-DNA position 5589, G replaced by A.
Protein change: p.Gln1863=; no amino-acid change (glutamine 1863 retained).
Molecular consequence: synonymous variant.
Genome position (GRCh38, 1-based): chr1:6,106,769, C>T on the plus strand (G>A on the coding strand, the complement: CHD5 is on the minus strand). VCF-style: chr1-6106769-C-T. GRCh37 (hg19) VCF-style: chr1-6166829-C-T.
Identifiers: ClinVar variation 729293 (VCV000729293.12), dbSNP rs147871474, ClinGen allele CA555728.